The following is an entry in ClinVar:

ClinVar aggregate classification (germline): Uncertain significance. Review status: criteria provided, multiple submitters, no conflicts (2 of 4 stars). 3 submissions from 3 submitters: Uncertain significance (2). 1 of the submissions does not count toward it. Last evaluated 2021-08-28.

Conditions:
Lysinuric protein intolerance (LPI). Identifiers: Orphanet 470, MedGen C0268647, MONDO:0009109, OMIM 222700.

Allele frequency attached by ClinVar (database versions not stated): ExAC 0.00002; gnomAD exomes 0.00001.
gnomAD v4.1: 8 of 1,614,098 alleles (0.0005%); highest among the groups gnomAD compares: East Asian, 0.0022%; no homozygotes.

Submissions (3):

Labcorp Genetics (formerly Invitae), Labcorp
Classification: Uncertain significance for Lysinuric protein intolerance. Last evaluated: 2021-08-28. Review status: criteria provided, single submitter. Criteria: Invitae Variant Classification Sherloc (09022015). Collection method: clinical testing. Allele origin: germline.
Comment: This sequence change replaces arginine with glutamine at codon 468 of the SLC7A7 protein (p.Arg468Gln). The arginine residue is moderately conserved and there is a small physicochemical difference between arginine and glutamine. This variant is present in population databases (rs746907619, ExAC 0.006%). This variant has not been reported in the literature in individuals affected with SLC7A7-related conditions. Algorithms developed to predict the effect of missense changes on protein structure and function (SIFT, PolyPhen-2, Align-GVGD) all suggest that this variant is likely to be tolerated. In summary, the available evidence is currently insufficient to determine the role of this variant in disease. Therefore, it has been classified as a Variant of Uncertain Significance.

Fulgent Genetics
Classification: Uncertain significance for Lysinuric protein intolerance. Last evaluated: 2021-07-08. Review status: criteria provided, single submitter. Criteria: ACMG Guidelines, 2015. Collection method: clinical testing. Allele origin: unknown.

Natera, Inc.
Classification: Uncertain significance for Lysinuric protein intolerance. Last evaluated: 2020-05-18. Review status: no assertion criteria provided. Collection method: clinical testing. Allele origin: germline. Not counted in ClinVar's aggregate classification.

NM_003982.4(SLC7A7):c.1403G>A (p.Arg468Gln)

Gene: SLC7A7 (solute carrier family 7 member 7; minus strand). Cytogenetic location: 14q11.2.
Variant type: single nucleotide variant.
Coding change: c.1403G>A on transcript NM_003982.4 (MANE Select); coding-DNA position 1403, G replaced by A.
Protein change: p.Arg468Gln; replaces arginine 468 with glutamine.
Molecular consequence: missense variant.
Genome position (GRCh38, 1-based): chr14:22,773,959, C>T on the plus strand (G>A on the coding strand, the complement: SLC7A7 is on the minus strand). VCF-style: chr14-22773959-C-T. GRCh37 (hg19) VCF-style: chr14-23243168-C-T.
Other names: c.1403G>A (NM_001126106.2); c.1403G>A, p.Arg468Gln (NM_001126105.3, NM_001126106.4); short protein forms R468Q.
Identifiers: ClinVar variation 1026425 (VCV001026425.11), dbSNP rs746907619, ClinGen allele CA7104402.